The following is an entry in ClinVar:

ClinVar aggregate classification (germline): Benign (1 of 4 stars; one submission).

Allele frequency attached by ClinVar (database versions not stated): 1000 Genomes Project 30x 0.55387; 1000 Genomes Project 0.55531; TOPMed 0.56884; gnomAD 0.58909 and 0.59047.
gnomAD v4.1: 89,471 of 151,922 alleles (59%); highest among the groups gnomAD compares: South Asian, 65%; 26,693 homozygotes.

Submission:

GeneDx
Classification: Benign. Last evaluated: 2018-06-14. Review status: criteria provided, single submitter. Criteria: GeneDx Variant Classification (06012015). Collection method: clinical testing. Allele origin: germline. Affected: yes.
Comment: This variant is considered likely benign or benign based on one or more of the following criteria: it is a conservative change, it occurs at a poorly conserved position in the protein, it is predicted to be benign by multiple in silico algorithms, and/or has population frequency not consistent with disease.

NM_000255.4(MMUT):c.386-247C>T

Gene: MMUT (methylmalonyl-CoA mutase; minus strand). Cytogenetic location: 6p12.3.
Variant type: single nucleotide variant.
Coding change: c.386-247C>T on transcript NM_000255.4 (MANE Select); 247 bases into the intron before coding-DNA position 386, C replaced by T.
Molecular consequence: intron variant.
Genome position (GRCh38, 1-based): chr6:49,458,305, G>A on the plus strand (C>T on the coding strand, the complement: MMUT is on the minus strand). VCF-style: chr6-49458305-G-A. GRCh37 (hg19) VCF-style: chr6-49426018-G-A.
Identifiers: ClinVar variation 671537 (VCV000671537.1), dbSNP rs7767725, ClinGen allele CA12324620.